The following is an entry in ClinVar:

NM_004046.6(ATP5F1A):c.1391G>C (p.Gly464Ala)

Gene: ATP5F1A (ATP synthase F1 subunit alpha; minus strand). Cytogenetic location: 18q21.1.
Variant type: single nucleotide variant.
Coding change: c.1391G>C on transcript NM_004046.6 (MANE Select); coding-DNA position 1391, G replaced by C.
Protein change: p.Gly464Ala; replaces glycine 464 with alanine.
Molecular consequence: missense variant.
Genome position (GRCh38, 1-based): chr18:46,086,151, C>G on the plus strand (G>C on the coding strand, the complement: ATP5F1A is on the minus strand). VCF-style: chr18-46086151-C-G. GRCh37 (hg19) VCF-style: chr18-43666117-C-G.
Other names: c.1241G>C, p.Gly414Ala (NM_001001935.3, NM_001257335.2); c.1391G>C, p.Gly464Ala (NM_001001937.2); c.1325G>C, p.Gly442Ala (NM_001257334.2); short protein forms G414A, G442A, G464A.
Identifiers: ClinVar variation 3369259 (VCV003369259.1).

ClinVar aggregate classification (germline): Uncertain significance (1 of 4 stars; one submission).

Submission:

GeneDx
Classification: Uncertain significance. Last evaluated: 2024-02-14. Review status: criteria provided, single submitter. Criteria: GeneDx Variant Classification Process June 2021. Collection method: clinical testing. Allele origin: germline. Affected: yes.
Comment: Not observed at significant frequency in large population cohorts (gnomAD); In silico analysis supports that this missense variant has a deleterious effect on protein structure/function; Has not been previously published as pathogenic or benign to our knowledge